The following is an entry in ClinVar:

ClinVar aggregate classification (germline): Uncertain significance (1 of 4 stars; one submission).

Conditions:
Congenital contractural arachnodactyly (CCA). Also called: BEALS SYNDROME; Beals-Hecht syndrome; Arthrogryposis, distal, type 9. Identifiers: Orphanet 115, MedGen C0220668, MONDO:0007363, OMIM 121050.

gnomAD v4.1: 1 of 1,614,244 alleles (0.000062%); highest among the groups gnomAD compares: East Asian, 0.0022%; no homozygotes.

Submission:

Labcorp Genetics (formerly Invitae), Labcorp
Classification: Uncertain significance for Congenital contractural arachnodactyly. Last evaluated: 2023-12-30. Review status: criteria provided, single submitter. Criteria: Invitae Variant Classification Sherloc (09022015). Collection method: clinical testing. Allele origin: germline.
Comment: This sequence change replaces tyrosine, which is neutral and polar, with serine, which is neutral and polar, at codon 1272 of the FBN2 protein (p.Tyr1272Ser). This variant is not present in population databases (gnomAD no frequency). This variant has not been reported in the literature in individuals affected with FBN2-related conditions. Advanced modeling of protein sequence and biophysical properties (such as structural, functional, and spatial information, amino acid conservation, physicochemical variation, residue mobility, and thermodynamic stability) performed at Invitae indicates that this missense variant is not expected to disrupt FBN2 protein function with a negative predictive value of 80%. In summary, the available evidence is currently insufficient to determine the role of this variant in disease. Therefore, it has been classified as a Variant of Uncertain Significance.

NM_001999.4(FBN2):c.3815A>C (p.Tyr1272Ser)

Gene: FBN2 (fibrillin 2; minus strand). Cytogenetic location: 5q23.3.
Variant type: single nucleotide variant.
Coding change: c.3815A>C on transcript NM_001999.4 (MANE Select); coding-DNA position 3815, A replaced by C.
Protein change: p.Tyr1272Ser; replaces tyrosine 1272 with serine.
Molecular consequence: missense variant.
Genome position (GRCh38, 1-based): chr5:128,335,487, T>G on the plus strand (A>C on the coding strand, the complement: FBN2 is on the minus strand). VCF-style: chr5-128335487-T-G. GRCh37 (hg19) VCF-style: chr5-127671179-T-G.
Other names: short protein forms Y1272S.
Identifiers: ClinVar variation 2706561 (VCV002706561.3), dbSNP rs2479801715, ClinGen allele CA360757960.